The following is an entry in ClinVar:

ClinVar aggregate classification (germline): Benign (1 of 4 stars; one submission).

Conditions:
Familial cancer of breast. Also called: hereditary breast carcinoma; Hereditary breast cancer; BREAST CANCER, FAMILIAL. Identifiers: Orphanet 227535, MedGen C0346153, MONDO:0016419, OMIM 114480. Disease mechanism: loss of function.

Submission:

Myriad Genetics, Inc.
Classification: Benign for Familial cancer of breast. Last evaluated: 2024-08-21. Review status: criteria provided, single submitter. Criteria: Myriad Autosomal Dominant, Autosomal Recessive and X-Linked Classification Criteria (2023). Collection method: clinical testing. Allele origin: unknown.
Comment: This variant is considered benign. This variant is a silent/synonymous amino acid change and it is not expected to impact splicing.

NM_032043.3(BRIP1):c.478A>C (p.Arg160=)

Gene: BRIP1 (BRCA1 interacting DNA helicase 1; minus strand). Cytogenetic location: 17q23.2.
Variant type: single nucleotide variant.
Coding change: c.478A>C on transcript NM_032043.3 (MANE Select); coding-DNA position 478, A replaced by C.
Protein change: p.Arg160=; no amino-acid change (arginine 160 retained).
Molecular consequence: synonymous variant.
Genome position (GRCh38, 1-based): chr17:61,849,158, T>G on the plus strand (A>C on the coding strand, the complement: BRIP1 is on the minus strand). VCF-style: chr17-61849158-T-G. GRCh37 (hg19) VCF-style: chr17-59926519-T-G.
Identifiers: ClinVar variation 3378678 (VCV003378678.1).
Genomic context (GRCh38, chr17:61,849,158, plus strand): 5'-GGGTTATTTACTGCCAATAAACTCTGTTTACCTGCTGTGTAGTTTCTAAGGGTCGAATTC[T>G]TTTCTTCTCTACTTGAAAATCATCATTTTCATCTCTGTATATGGATGCCTGTTTCTTAGC-3'
Protein context (NP_114432.2, residues 150-170): ENDDFQVEKK[Arg160=]IRPLETTQQI